The following is an entry in ClinVar:

ClinVar aggregate classification (germline): Uncertain significance (1 of 4 stars; one submission).

Conditions:
Anauxetic dysplasia. Identifiers: Orphanet 93347, MedGen C1846796, MONDO:0011773.

Allele frequency attached by ClinVar (database versions not stated): gnomAD exomes below 0.00001.

Submission:

Labcorp Genetics (formerly Invitae), Labcorp
Classification: Uncertain significance for Anauxetic dysplasia. Last evaluated: 2021-05-20. Review status: criteria provided, single submitter. Criteria: Invitae Variant Classification Sherloc (09022015). Collection method: clinical testing. Allele origin: germline.
Comment: This variant occurs in the RMRP gene, which encodes an RNA molecule that does not result in a protein product. The frequency data for this variant in the population databases is considered unreliable, as metrics indicate insufficient coverage at this position in the ExAC database. This variant has not been reported in the literature in individuals with RMRP-related conditions. Experimental studies and prediction algorithms are not available for this variant, and the functional significance of this non-coding change is currently unknown. In summary, the available evidence is currently insufficient to determine the role of this variant in disease. Therefore, it has been classified as a Variant of Uncertain Significance.

NC_000009.12:g.35657766_35657774del

Gene: RMRP (RNA component of mitochondrial RNA processing endoribonuclease; minus strand). Cytogenetic location: 9p13.3.
Variant type: Deletion.
Genome position: GRCh38 VCF-style: chr9-35657765-AATGAGCCCC-A. GRCh37 (hg19) VCF-style: chr9-35657762-AATGAGCCCC-A.
Identifiers: ClinVar variation 1982880 (VCV001982880.1), dbSNP rs1401833682, ClinGen allele CA587570154.
Genomic context (GRCh38, chr9:35,657,765, plus strand): 5'-CCGGGGAGGTCGAGGCTGCAGTGAGCCGTGGTCTCGGGAACAAAAAACAGCCGCGCTGAG[AATGAGCCCC>A]GTGTGGTTGGTGCGCGGACACGCACTGCCTGCGTAACTAGAGGGAGCTGACGGATGACGC-3'